The following is an entry in ClinVar:

NM_144666.3(DNHD1):c.9623G>T (p.Arg3208Met)

Gene: DNHD1 (dynein heavy chain domain 1; plus strand). Cytogenetic location: 11p15.4.
Variant type: single nucleotide variant.
Coding change: c.9623G>T on transcript NM_144666.3 (MANE Select); coding-DNA position 9623, G replaced by T.
Protein change: p.Arg3208Met; replaces arginine 3208 with methionine.
Molecular consequence: missense variant.
Genome position (GRCh38, 1-based): chr11:6,563,085, G>T. VCF-style: chr11-6563085-G-T. GRCh37 (hg19) VCF-style: chr11-6584315-G-T.
Other names: short protein forms R3208M.
Identifiers: ClinVar variation 829806 (VCV000829806.1), dbSNP rs1589895209, ClinGen allele CA379380075.

ClinVar aggregate classification (germline): Uncertain significance (1 of 4 stars; one submission).

Submission:

HudsonAlpha Institute for Biotechnology
Classification: Uncertain significance. Last evaluated: 2019-10-04. Review status: criteria provided, single submitter. Criteria: ACMG Guidelines, 2015. Collection method: research. Allele origin: maternal. Observed: 1 variant allele. Study: CSER-SouthSeq.
Comment: ACMG codes: PM2